The following is an entry in ClinVar:

NM_015346.4(ZFYVE26):c.7575G>C (p.Leu2525=)

Gene: ZFYVE26 (zinc finger FYVE-type containing 26; minus strand). Cytogenetic location: 14q24.1.
Variant type: single nucleotide variant.
Coding change: c.7575G>C on transcript NM_015346.4 (MANE Select); coding-DNA position 7575, G replaced by C.
Protein change: p.Leu2525=; no amino-acid change (leucine 2525 retained).
Molecular consequence: synonymous variant.
Genome position (GRCh38, 1-based): chr14:67,748,481, C>G on the plus strand (G>C on the coding strand, the complement: ZFYVE26 is on the minus strand). VCF-style: chr14-67748481-C-G. GRCh37 (hg19) VCF-style: chr14-68215198-C-G.
Identifiers: ClinVar variation 3234558 (VCV003234558.20), dbSNP rs2503912754, ClinGen allele CA486755944.
Genomic context (GRCh38, chr14:67,748,481, plus strand): 5'-CCCCACTGCCCAAGGTCACTTCCTGGAGCCTGGGCCATGGGCACCCCGGGGGTGGCTTGT[C>G]AGAAGCCACTGGGCACAGATGTCTTGCACTACTGCATCCCCGCTGCTCTTGGCGGCCTGC-3'
Protein context (NP_056161.2, residues 2515-2535): VVQDICAQWL[Leu2525=]TSHPRGAHGP

ClinVar aggregate classification (germline): Likely benign (1 of 4 stars; one submission).

Submission:

CeGaT Center for Human Genetics Tuebingen
Classification: Likely benign. Last evaluated: 2025-12-01. Review status: criteria provided, single submitter. Criteria: CeGaT Center For Human Genetics Tuebingen Variant Classification Criteria Version 2. Collection method: clinical testing. Allele origin: germline. Affected: yes. Observed: 2 variant alleles.
Comment: ZFYVE26: PM2:Supporting, BP4, BP7